The following is an entry in ClinVar:

NM_000548.5(TSC2):c.2967-16C>T

Gene: TSC2 (TSC complex subunit 2; plus strand). Cytogenetic location: 16p13.3.
Variant type: single nucleotide variant.
Coding change: c.2967-16C>T on transcript NM_000548.5 (MANE Select); 16 bases into the intron before coding-DNA position 2967, C replaced by T.
Molecular consequence: intron variant.
Genome position (GRCh38, 1-based): chr16:2,079,016, C>T. VCF-style: chr16-2079016-C-T. GRCh37 (hg19) VCF-style: chr16-2129017-C-T.
Other names: c.2967-16C>T (NM_001114382.3); c.2838-16C>T (NM_021055.3, NM_001370405.1, NM_001363528.2); c.2838-19C>T (NM_001370404.1, NM_001077183.3); c.2727-16C>T (NM_001318827.2); c.2238-19C>T (NM_001318831.2); c.2691-16C>T (NM_001318829.2); c.2871-19C>T (NM_001318832.2).
Identifiers: ClinVar variation 1609646 (VCV001609646.9), dbSNP rs774389795, ClinGen allele CA043370.

ClinVar aggregate classification (germline): Benign/Likely benign. Review status: criteria provided, multiple submitters, no conflicts (2 of 4 stars). 2 submissions from 2 submitters: Benign (1); Likely benign (1). Last evaluated 2026-02-03.

Conditions:
Tuberous sclerosis 2 (TSC2). Identifiers: Orphanet 805, MedGen C1860707, MONDO:0013199, OMIM 613254.

Allele frequency attached by ClinVar (database versions not stated): ExAC 0.00001; gnomAD 0.00002; gnomAD exomes 0.00002; TOPMed 0.00004.
gnomAD v4.1: 27 of 1,611,988 alleles (0.0017%); highest among the groups gnomAD compares: Middle Eastern, 0.016%; no homozygotes.

Submissions (2):

Labcorp Genetics (formerly Invitae), Labcorp
Classification: Likely benign for Tuberous sclerosis 2. Last evaluated: 2026-02-03. Review status: criteria provided, single submitter. Criteria: Invitae Variant Classification Sherloc (09022015). Collection method: clinical testing. Allele origin: germline.

Myriad Genetics, Inc.
Classification: Benign for Tuberous sclerosis 2. Last evaluated: 2024-09-09. Review status: criteria provided, single submitter. Criteria: Myriad Autosomal Dominant, Autosomal Recessive and X-Linked Classification Criteria (2023). Collection method: clinical testing. Allele origin: unknown.
Comment: This variant is considered benign. This variant is intronic and is not expected to impact mRNA splicing. This variant has been observed at a population frequency that is significantly greater than expected given the associated disease prevalence and penetrance.